The following is an entry in ClinVar:

ClinVar aggregate classification (germline): Likely pathogenic (1 of 4 stars; one submission).

Conditions:
Early-infantile DEE. Also called: Early infantile epileptic encephalopathy; Early infantile epileptic encephalopathy with suppression bursts; Ohtahara syndrome. Identifiers: Orphanet 1934, MedGen C0393706, MONDO:0800491.

Submission:

Labcorp Genetics (formerly Invitae), Labcorp
Classification: Likely pathogenic for Early-infantile DEE. Last evaluated: 2025-12-22. Review status: criteria provided, single submitter. Criteria: Invitae Variant Classification Sherloc (09022015). Collection method: clinical testing. Allele origin: germline.
Comment: This sequence change replaces arginine, which is basic and polar, with proline, which is neutral and non-polar, at codon 353 of the KCNQ2 protein (p.Arg353Pro). This variant is not present in population databases (gnomAD no frequency). This missense change has been observed in individual(s) with clinical features of KCNQ2-related condition (internal data). Invitae Evidence Modeling of protein sequence and biophysical properties (such as structural, functional, and spatial information, amino acid conservation, physicochemical variation, residue mobility, and thermodynamic stability) indicates that this missense variant is expected to disrupt KCNQ2 protein function with a positive predictive value of 95%. This variant disrupts the p.Arg353 amino acid residue in KCNQ2. Other variant(s) that disrupt this residue have been determined to be pathogenic (PMID: 14985406, 25959266, 27888506, 29726930). This suggests that this residue is clinically significant, and that variants that disrupt this residue are likely to be disease-causing. In summary, the currently available evidence indicates that the variant is pathogenic, but additional data are needed to prove that conclusively. Therefore, this variant has been classified as Likely Pathogenic.

Literature cited by the submitters: PubMed 14985406; PubMed 25959266; PubMed 27888506; PubMed 29726930.

NM_172107.4(KCNQ2):c.1058G>C (p.Arg353Pro)

Gene: KCNQ2 (potassium voltage-gated channel subfamily Q member 2; minus strand). Cytogenetic location: 20q13.33.
Variant type: single nucleotide variant.
Coding change: c.1058G>C on transcript NM_172107.4 (MANE Select); coding-DNA position 1058, G replaced by C.
Protein change: p.Arg353Pro; replaces arginine 353 with proline.
Molecular consequence: missense variant.
Genome position (GRCh38, 1-based): chr20:63,433,869, C>G on the plus strand (G>C on the coding strand, the complement: KCNQ2 is on the minus strand). VCF-style: chr20-63433869-C-G. GRCh37 (hg19) VCF-style: chr20-62065222-C-G.
Other names: c.1058G>C, p.Arg353Pro (NM_001382235.1, NM_001439003.1, NM_001439004.1 and 4 more transcripts); short protein forms R353P.
Identifiers: ClinVar variation 4803153 (VCV004803153.1).